The following is an entry in ClinVar:

NM_005633.4(SOS1):c.3904A>G (p.Ile1302Val)

Gene: SOS1 (SOS Ras/Rac guanine nucleotide exchange factor 1; minus strand). Cytogenetic location: 2p22.1.
Variant type: single nucleotide variant.
Coding change: c.3904A>G on transcript NM_005633.4 (MANE Select); coding-DNA position 3904, A replaced by G.
Protein change: p.Ile1302Val; replaces isoleucine 1302 with valine.
Molecular consequence: missense variant.
Genome position (GRCh38, 1-based): chr2:38,985,922, T>C on the plus strand (A>G on the coding strand, the complement: SOS1 is on the minus strand). VCF-style: chr2-38985922-T-C. GRCh37 (hg19) VCF-style: chr2-39213063-T-C.
Other names: c.3883A>G, p.Ile1295Val (NM_001382394.1); c.3859A>G, p.Ile1287Val (NM_001382395.1); short protein forms I1295V, I1302V, I1287V.
Identifiers: ClinVar variation 3720318 (VCV003720318.2).
Genomic context (GRCh38, chr2:38,985,922, plus strand): 5'-CTCTGTGCATGGATGGGTGTGTGTGCTCCCTTTTGTAAGTTTTTGGAGGGAGTTTAGGGA[T>C]ATGTTGAGAAGTGCTTTGTCGTGGAGGAACAGGCGGCCCAGCAATGGAATGAAGGTCCAC-3'
Protein context (NP_005624.2, residues 1292-1312): VPPRQSTSQH[Ile1302Val]PKLPPKTYKR

ClinVar aggregate classification (germline): Likely pathogenic (1 of 4 stars; one submission).

Conditions:
RASopathy. Also called: Noonan spectrum disorder; rasopathies. Identifiers: Orphanet 536391, MedGen C5555857, MONDO:0021060.

Submission:

Labcorp Genetics (formerly Invitae), Labcorp
Classification: Likely pathogenic for RASopathy. Last evaluated: 2025-01-28. Review status: criteria provided, single submitter. Criteria: Invitae Variant Classification Sherloc (09022015). Collection method: clinical testing. Allele origin: germline.
Comment: This sequence change replaces isoleucine, which is neutral and non-polar, with valine, which is neutral and non-polar, at codon 1302 of the SOS1 protein (p.Ile1302Val). This variant is not present in population databases (gnomAD no frequency). This missense change has been observed in individual(s) with clinical features of Noonan syndrome (PMID: 28957739). In at least one individual the variant was observed to be de novo. Invitae Evidence Modeling of protein sequence and biophysical properties (such as structural, functional, and spatial information, amino acid conservation, physicochemical variation, residue mobility, and thermodynamic stability) indicates that this missense variant is not expected to disrupt SOS1 protein function with a negative predictive value of 95%. In summary, the currently available evidence indicates that the variant is pathogenic, but additional data are needed to prove that conclusively. Therefore, this variant has been classified as Likely Pathogenic.

Literature cited by the submitters: PubMed 28957739.